The following is an entry in ClinVar:

NM_001347721.2(DYRK1A):c.1461C>T (p.Ser487=)

Gene: DYRK1A (dual specificity tyrosine phosphorylation regulated kinase 1A; plus strand). Cytogenetic location: 21q22.13.
Variant type: single nucleotide variant.
Coding change: c.1461C>T on transcript NM_001347721.2 (MANE Select); coding-DNA position 1461, C replaced by T.
Protein change: p.Ser487=; no amino-acid change (serine 487 retained).
Molecular consequence: synonymous variant.
Genome position (GRCh38, 1-based): chr21:37,505,531, C>T. VCF-style: chr21-37505531-C-T. GRCh37 (hg19) VCF-style: chr21-38877834-C-T.
Other names: c.1461C>T, p.Ser487= (NM_001347722.2, NM_130436.2); c.1374C>T, p.Ser458= (NM_001347723.2); c.1488C>T, p.Ser496= (NM_001396.5, NM_101395.2, NM_130438.2).
Identifiers: ClinVar variation 1561072 (VCV001561072.30), dbSNP rs1333054024, ClinGen allele CA512328014.
Genomic context (GRCh38, chr21:37,505,531, plus strand): 5'-CAGTTTCTTCAAGAAAACAGCTGATGAAGGTACAAATACAAGTAATAGTGTATCTACAAG[C>T]CCCGCCATGGAGCAGTCTCAGTCTTCGGGCACCACCTCCAGTACATCGTCAAGCTCAGGT-3'
Protein context (NP_001334650.1, residues 477-497): GTNTSNSVST[Ser487=]PAMEQSQSSG

ClinVar aggregate classification (germline): Likely benign. Review status: criteria provided, multiple submitters, no conflicts (2 of 4 stars). 2 submissions from 2 submitters: Likely benign (2). Last evaluated 2024-01-01.

Conditions:
DYRK1A-related intellectual disability syndrome (MRD7). Also called: DYRK1A Syndrome; Intellectual developmental disorder, autosomal dominant 7. Identifiers: Orphanet 464306, MedGen C5568143, MONDO:0013578, OMIM 614104.

Allele frequency attached by ClinVar (database versions not stated): gnomAD exomes below 0.00001; gnomAD 0.00001.
gnomAD v4.1: 5 of 1,612,154 alleles (0.00031%); highest among the groups gnomAD compares: Non-Finnish European, 0.00042%; no homozygotes.

Submissions (2):

CeGaT Center for Human Genetics Tuebingen
Classification: Likely benign. Last evaluated: 2024-01-01. Review status: criteria provided, single submitter. Criteria: CeGaT Center For Human Genetics Tuebingen Variant Classification Criteria Version 2. Collection method: clinical testing. Allele origin: germline. Affected: yes. Observed: 1 variant allele.
Comment: DYRK1A: BP4, BP7

Labcorp Genetics (formerly Invitae), Labcorp
Classification: Likely benign for DYRK1A-related intellectual disability syndrome. Last evaluated: 2021-02-20. Review status: criteria provided, single submitter. Criteria: Invitae Variant Classification Sherloc (09022015). Collection method: clinical testing. Allele origin: germline.